The following is an entry in ClinVar:

ClinVar aggregate classification (germline): Uncertain significance (1 of 4 stars; one submission).

Conditions:
Inborn genetic diseases. Identifiers: MedGen C0950123, MeSH D030342.

Submission:

Ambry Genetics
Classification: Uncertain significance for Inborn genetic diseases. Last evaluated: 2024-12-16. Review status: criteria provided, single submitter. Criteria: Ambry Variant Classification Scheme 2023. Collection method: clinical testing. Allele origin: germline.
Comment: The p.E142D variant (also known as c.426G>T), located in coding exon 4 of the RTEL1 gene, results from a G to T substitution at nucleotide position 426. The glutamic acid at codon 142 is replaced by aspartic acid, an amino acid with highly similar properties. This amino acid position is conserved. In addition, this alteration is predicted to be tolerated by in silico analysis. Based on the available evidence, the clinical significance of this variant remains unclear.

NM_001283009.2(RTEL1):c.426G>T (p.Glu142Asp)

Genes: RTEL1 (regulator of telomere elongation helicase 1; plus strand), RTEL1-TNFRSF6B (RTEL1-TNFRSF6B readthrough (NMD candidate); plus strand). Cytogenetic location: 20q13.33.
Variant type: single nucleotide variant.
Coding change: c.426G>T on transcript NM_001283009.2 (MANE Select); coding-DNA position 426, G replaced by T.
Protein change: p.Glu142Asp; replaces glutamic acid 142 with aspartic acid.
Molecular consequence: missense variant. On other transcripts: non-coding transcript variant (1), 5 prime UTR variant (1).
Genome position (GRCh38, 1-based): chr20:63,662,576, G>T. VCF-style: chr20-63662576-G-T. GRCh37 (hg19) VCF-style: chr20-62293929-G-T.
Other names: c.-244G>T (NM_001283010.1); c.426G>T, p.Glu142Asp (NM_016434.4); c.498G>T, p.Glu166Asp (NM_032957.5); short protein forms E142D, E166D.
Identifiers: ClinVar variation 3790978 (VCV003790978.1).